The following is an entry in ClinVar:

ClinVar aggregate classification (germline): Uncertain significance (1 of 4 stars; one submission).

gnomAD v4.1: 8 of 1,611,610 alleles (0.0005%); highest among the groups gnomAD compares: Middle Eastern, 0.017%; no homozygotes.

Submission:

Labcorp Genetics (formerly Invitae), Labcorp
Classification: Uncertain significance. Last evaluated: 2025-12-15. Review status: criteria provided, single submitter. Criteria: Invitae Variant Classification Sherloc (09022015). Collection method: clinical testing. Allele origin: germline.
Comment: This sequence change falls in intron 15 of the LONP1 gene. It does not directly change the encoded amino acid sequence of the LONP1 protein. It affects a nucleotide within the consensus splice site. This variant is present in population databases (rs546034497, gnomAD 0.006%). This variant has not been reported in the literature in individuals affected with LONP1-related conditions. ClinVar contains an entry for this variant (Variation ID: 3624816). Variants that disrupt the consensus splice site are a relatively common cause of aberrant splicing (PMID: 17576681, 9536098). Algorithms developed to predict the effect of sequence changes on RNA splicing suggest that this variant is not likely to affect RNA splicing. In summary, the available evidence is currently insufficient to determine the role of this variant in disease. Therefore, it has been classified as a Variant of Uncertain Significance.

Literature cited by the submitters: PubMed 17576681; PubMed 9536098.

NM_004793.4(LONP1):c.2320+6C>T

Gene: LONP1 (lon peptidase 1, mitochondrial; minus strand). Cytogenetic location: 19p13.3.
Variant type: single nucleotide variant.
Coding change: c.2320+6C>T on transcript NM_004793.4 (MANE Select); 6 bases into the intron after coding-DNA position 2320, C replaced by T.
Molecular consequence: intron variant.
Genome position (GRCh38, 1-based): chr19:5,694,381, G>A on the plus strand (C>T on the coding strand, the complement: LONP1 is on the minus strand). VCF-style: chr19-5694381-G-A. GRCh37 (hg19) VCF-style: chr19-5694392-G-A.
Other names: c.1732+6C>T (NM_001276480.1); c.2128+6C>T (NM_001276479.2).
Identifiers: ClinVar variation 3624816 (VCV003624816.2).